The following is an entry in ClinVar:

NM_006279.5(ST3GAL3):c.209+9918C>T

Gene: ST3GAL3 (ST3 beta-galactoside alpha-2,3-sialyltransferase 3; plus strand). Cytogenetic location: 1p34.1.
Variant type: single nucleotide variant.
Coding change: c.209+9918C>T on transcript NM_006279.5 (MANE Select); 9918 bases into the intron after coding-DNA position 209, C replaced by T.
Molecular consequence: intron variant. On other transcripts: synonymous variant (4).
Genome position (GRCh38, 1-based): chr1:43,824,851, C>T. VCF-style: chr1-43824851-C-T. GRCh37 (hg19) VCF-style: chr1-44290523-C-T.
Other names: NC_000001.10:g.44290523C>T; c.330C>T, p.Ser110= (NM_001363573.2, NM_174968.5); c.375C>T, p.Ser125= (NM_174963.5); c.282C>T, p.Ser94= (NM_174971.5); c.254+9918C>T (NM_001350619.2, NM_174964.4, NM_174965.4); c.206+9918C>T (NM_001270465.3, NM_001270463.3); c.-245+9918C>T (NM_001350621.2); c.209+9918C>T (NM_001350620.2, NM_001270459.2, NM_174966.4 and 2 more transcripts); and 1 more.
Identifiers: ClinVar variation 212317 (VCV000212317.30), dbSNP rs113954699, ClinGen allele CA209169.

ClinVar aggregate classification (germline): Conflicting classifications of pathogenicity. Review status: criteria provided, conflicting classifications (1 of 4 stars). 3 submissions from 3 submitters: Uncertain significance (1); Likely benign (2). Last evaluated 2026-09-01.

Allele frequency attached by ClinVar (database versions not stated): 1000 Genomes Project 30x 0.00047; ExAC 0.00052; gnomAD exomes 0.00053 and 0.00066; 1000 Genomes Project 0.00060; gnomAD 0.00064 and 0.00067; TOPMed 0.00068; ESP Exome Variant Server 0.00092.
gnomAD v4.1: 682 of 1,046,632 alleles (0.065%); highest among the groups gnomAD compares: Admixed American, 0.099%; 2 homozygotes.

Submissions (4):

CeGaT Center for Human Genetics Tuebingen
Classification: Likely benign. Last evaluated: 2026-09-01. Review status: criteria provided, single submitter. Criteria: CeGaT Center For Human Genetics Tuebingen Variant Classification Criteria Version 2. Collection method: clinical testing. Allele origin: germline. Affected: yes. Observed: 4 variant alleles.
Comment: ST3GAL3: BP4, BP7

Blueprint Genetics
Classification: Likely benign. Last evaluated: 2024-10-03. Review status: criteria provided, single submitter. Criteria: ACMG Guidelines, 2015. Collection method: clinical testing. Allele origin: germline.

Genetic Services Laboratory, University of Chicago
Classification: Uncertain significance. Last evaluated: 2015-07-22. Review status: criteria provided, single submitter. Criteria: ACMG Guidelines, 2015. Collection method: clinical testing. Allele origin: germline.

Dr. Peter K. Rogan Lab, Western University
No classification provided (evidence only). Condition: Nonpapillary renal cell carcinoma. Review status: no classification provided. Collection method: in vitro. Allele origin: not applicable. Functional consequence: retained intron. Not counted in ClinVar's aggregate classification.